The following is an entry in ClinVar:

NM_007294.4(BRCA1):c.3583_3590del (p.His1195fs)

Genes: BRCA1 (BRCA1 DNA repair associated; minus strand), LOC126862571 (BRD4-independent group 4 enhancer GRCh37_chr17:41243136-41244335; plus strand). Cytogenetic location: 17q21.31.
Variant type: Deletion.
Coding change: c.3583_3590del on transcript NM_007294.4 (MANE Select); coding-DNA positions 3583 to 3590, 8 bases deleted (CATACACA; older notation c.3583_3590delCATACACA).
Protein change: p.His1195fs; shifts the reading frame from histidine 1195.
Molecular consequence: frameshift variant. On other transcripts: intron variant (135).
Genome position (GRCh38, 1-based): chr17:43,091,941-43,091,948, TGTGTATG deleted on the plus strand (CATACACA on the coding strand, the reverse complement: BRCA1 is on the minus strand). VCF-style (leftmost placement, unchanged base first): chr17-43091940-ATGTGTATG-A. GRCh37 (hg19) VCF-style: chr17-41243957-ATGTGTATG-A.
Other names: 3702del8; c.3370_3377del, p.His1124fs (NM_001407571.1, NM_001407853.1, NM_001407894.1 and 9 more transcripts); c.3583_3590del, p.His1195fs (NM_001407581.1, NM_001407582.1, NM_001407583.1 and 30 more transcripts); c.3580_3587del, p.His1194fs (NM_001407587.1, NM_001407590.1, NM_001407591.1 and 22 more transcripts); c.3574_3581del, p.His1192fs (NM_001407646.1, NM_001407647.1); c.3460_3467del, p.His1154fs (NM_001407648.1, NM_001407664.1, NM_001407665.1 and 19 more transcripts); c.3457_3464del, p.His1153fs (NM_001407649.1, NM_001407670.1, NM_001407671.1 and 11 more transcripts); c.3505_3512del, p.His1169fs (NM_001407653.1, NM_001407654.1, NM_001407655.1 and 4 more transcripts); and 43 more; short protein forms H1148fs, H1195fs, H1068fs, H1084fs, H1107fs, H1128fs, H1154fs, H1169fs.
Identifiers: ClinVar variation 266388 (VCV000266388.6), dbSNP rs886040147, ClinGen allele CA10589736.

ClinVar aggregate classification (germline): Pathogenic. Review status: reviewed by expert panel (3 of 4 stars). 2 submissions from 2 submitters: Pathogenic (1). 1 of the submissions does not count toward it. Last evaluated 2016-10-18.

Conditions:
Breast-ovarian cancer, familial, susceptibility to, 1 (BROVCA1). Also called: BRCA1 Hereditary Breast and Ovarian Cancer; OVARIAN CANCER, SUSCEPTIBILITY TO. Identifiers: Orphanet 145, MedGen C2676676, MONDO:0011450, OMIM 604370. Disease mechanism: loss of function.

Submissions (2):

Evidence-based Network for the Interpretation of Germline Mutant Alleles (ENIGMA)
Classification: Pathogenic for Breast-ovarian cancer, familial, susceptibility to, 1. Last evaluated: 2016-10-18. Review status: reviewed by expert panel. Criteria: ENIGMA BRCA1/2 Classification Criteria (2015). Collection method: curation. Allele origin: germline.
Comment: Variant allele predicted to encode a truncated non-functional protein.

Consortium of Investigators of Modifiers of BRCA1/2 (CIMBA), c/o University of Cambridge
Classification: Pathogenic for Breast-ovarian cancer, familial, susceptibility to, 1. Last evaluated: 2015-10-02. Review status: criteria provided, single submitter. Criteria: CIMBA Mutation Classification guidelines May 2016. Collection method: clinical testing. Allele origin: germline. Not counted in ClinVar's aggregate classification.